The following is an entry in ClinVar:

NM_001367721.1(CASK):c.509G>C (p.Gly170Ala)

Gene: CASK (calcium/calmodulin dependent serine protein kinase; minus strand). Cytogenetic location: Xp11.4.
Variant type: single nucleotide variant.
Coding change: c.509G>C on transcript NM_001367721.1 (MANE Select); coding-DNA position 509, G replaced by C.
Protein change: p.Gly170Ala; replaces glycine 170 with alanine.
Molecular consequence: missense variant.
Genome position (GRCh38, 1-based): chrX:41,671,451, C>G on the plus strand (G>C on the coding strand, the complement: CASK is on the minus strand). VCF-style: chrX-41671451-C-G. GRCh37 (hg19) VCF-style: chrX-41530704-C-G.
Other names: c.509G>C, p.Gly170Ala (NM_001126054.3, NM_001126055.3, NM_001410745.1 and 1 more transcripts); short protein forms G170A.
Identifiers: ClinVar variation 2660353 (VCV002660353.24), dbSNP rs2519234514, ClinGen allele CA412998941.
Genomic context (GRCh38, chrX:41,671,451, plus strand): 5'-GGTTTTGAAGAATTTTTTTTTTTTAAAGCAGTCTTACCTCCAGCTACAAGTCCAGACTCC[C>G]CTAATTGAATAGCTACCCCAAAGCCTCCAAGTTTAACAGGTGCCGAGTTTTCTTTTGAGG-3'
Protein context (NP_001354650.1, residues 160-180): LGGFGVAIQL[Gly170Ala]ESGLVAGGRV

ClinVar aggregate classification (germline): Uncertain significance (1 of 4 stars; one submission).

Submission:

CeGaT Center for Human Genetics Tuebingen
Classification: Uncertain significance. Last evaluated: 2023-08-01. Review status: criteria provided, single submitter. Criteria: CeGaT Center For Human Genetics Tuebingen Variant Classification Criteria Version 2. Collection method: clinical testing. Allele origin: germline. Affected: yes. Observed: 1 variant allele.
Comment: CASK: PM2